The following is an entry in ClinVar:

NM_001374736.1(DST):c.18825C>T (p.Ile6275=)

Gene: DST (dystonin; minus strand). Cytogenetic location: 6p12.1.
Variant type: single nucleotide variant.
Coding change: c.18825C>T on transcript NM_001374736.1 (MANE Select); coding-DNA position 18825, C replaced by T.
Protein change: p.Ile6275=; no amino-acid change (isoleucine 6275 retained).
Molecular consequence: synonymous variant.
Genome position (GRCh38, 1-based): chr6:56,509,829, G>A on the plus strand (C>T on the coding strand, the complement: DST is on the minus strand). VCF-style: chr6-56509829-G-A. GRCh37 (hg19) VCF-style: chr6-56374627-G-A.
Other names: c.12468C>T (NM_001144769.2); c.12468C>T, p.Ile4156= (NM_001144769.5); c.12054C>T, p.Ile4018= (NM_001144770.2); c.18825C>T, p.Ile6275= (NM_001374722.1); c.17865C>T, p.Ile5955= (NM_001374729.1); c.11607C>T, p.Ile3869= (NM_001374730.1); c.18852C>T, p.Ile6284= (NM_001374734.1); c.11934C>T, p.Ile3978= (NM_001386100.1, NM_183380.4); and 1 more.
Identifiers: ClinVar variation 1085173 (VCV001085173.10), dbSNP rs754958682, ClinGen allele CA3867133.

ClinVar aggregate classification (germline): Likely benign. Review status: criteria provided, multiple submitters, no conflicts (2 of 4 stars). 2 submissions from 2 submitters: Likely benign (2). Last evaluated 2025-04-29.

Conditions:
Hereditary sensory and autonomic neuropathy type 6. Also called: HSAN VI; Neuropathy, hereditary sensory and autonomic, type VI. Identifiers: Orphanet 314381, MedGen C3539003, MONDO:0013839, OMIM 614653.
Epidermolysis bullosa simplex 3, localized or generalized intermediate, with BP230 deficiency (EBS3). Also called: Epidermolysis bullosa simplex, autosomal recessive 2; Epidermolysis bullosa simplex due to BP230 deficiency. Identifiers: Orphanet 412181, MedGen C3809470, MONDO:0014180, OMIM 615425.
DST-related disorder. Also called: DST-related condition; DST-related disorders.

Allele frequency attached by ClinVar (database versions not stated): ExAC 0.00001; gnomAD exomes 0.00001 and 0.00006; TOPMed 0.00005; gnomAD 0.00006.
gnomAD v4.1: 98 of 1,613,382 alleles (0.0061%); highest among the groups gnomAD compares: African/African-American, 0.0093%; no homozygotes.

Submissions (2):

Labcorp Genetics (formerly Invitae), Labcorp
Classification: Likely benign for Epidermolysis bullosa simplex 3, localized or generalized intermediate, with BP230 deficiency; Hereditary sensory and autonomic neuropathy type 6. Last evaluated: 2025-04-29. Review status: criteria provided, single submitter. Criteria: Invitae Variant Classification Sherloc (09022015). Collection method: clinical testing. Allele origin: germline.

PreventionGenetics, part of Exact Sciences
Classification: Likely benign for DST-related condition. Last evaluated: 2025-02-19. Review status: criteria provided, single submitter. Criteria: ACMG Guidelines, 2015. Collection method: clinical testing. Allele origin: germline.
Comment: This variant is classified as likely benign based on ACMG/AMP sequence variant interpretation guidelines (Richards et al. 2015 PMID: 25741868, with internal and published modifications).